The following is an entry in ClinVar:

ClinVar aggregate classification (germline): Uncertain significance (1 of 4 stars; one submission).

Conditions:
RASopathy. Also called: Noonan spectrum disorder; rasopathies. Identifiers: Orphanet 536391, MedGen C5555857, MONDO:0021060.

Submission:

Labcorp Genetics (formerly Invitae), Labcorp
Classification: Uncertain significance for RASopathy. Last evaluated: 2025-02-25. Review status: criteria provided, single submitter. Criteria: Invitae Variant Classification Sherloc (09022015). Collection method: clinical testing. Allele origin: germline.
Comment: This sequence change creates a premature translational stop signal (p.Glu746*) in the CBL gene. It is expected to result in an absent or disrupted protein product. However, the current clinical and genetic evidence is not sufficient to establish whether loss-of-function variants in CBL cause disease. This variant is not present in population databases (gnomAD no frequency). This variant has not been reported in the literature in individuals affected with CBL-related conditions. Algorithms developed to predict the effect of sequence changes on RNA splicing suggest that this variant may disrupt the consensus splice site. In summary, the available evidence is currently insufficient to determine the role of this variant in disease. Therefore, it has been classified as a Variant of Uncertain Significance.

NM_005188.4(CBL):c.2236G>T (p.Glu746Ter)

Gene: CBL (Cbl proto-oncogene; plus strand). Cytogenetic location: 11q23.3.
Variant type: single nucleotide variant.
Coding change: c.2236G>T on transcript NM_005188.4 (MANE Select); coding-DNA position 2236, G replaced by T.
Protein change: p.Glu746Ter; replaces glutamic acid 746 with a stop codon.
Molecular consequence: nonsense.
Genome position (GRCh38, 1-based): chr11:119,297,466, G>T. VCF-style: chr11-119297466-G-T. GRCh37 (hg19) VCF-style: chr11-119168176-G-T.
Other names: short protein forms E746*.
Identifiers: ClinVar variation 4713808 (VCV004713808.1).